The following is an entry in ClinVar:

NM_000551.4(VHL):c.*1619T>C

Genes: VHL (von Hippel-Lindau tumor suppressor; plus strand), LOC107303340 (3p25 von Hippel-Lindau tumor suppressor, E3 ubiquitin protein ligase Alu-mediated recombination region; plus strand). Cytogenetic location: 3p25.3.
Variant type: single nucleotide variant.
Coding change: c.*1619T>C on transcript NM_000551.4 (MANE Select); 1619 bases downstream of the stop codon, T replaced by C.
Molecular consequence: 3 prime UTR variant.
Genome position (GRCh38, 1-based): chr3:10,151,584, T>C. VCF-style: chr3-10151584-T-C. GRCh37 (hg19) VCF-style: chr3-10193268-T-C.
Other names: c.*1815T>C (NM_001354723.2); c.*1619T>C (NM_198156.3).
Identifiers: ClinVar variation 342441 (VCV000342441.5), dbSNP rs145608408, ClinGen allele CA10614834.

ClinVar aggregate classification (germline): Benign (1 of 4 stars; one submission).

Conditions:
Von Hippel-Lindau syndrome (VHLS). Also called: Von Hippel-Lindau; von Hippel–Lindau syndrome; VHL syndrome. Identifiers: Orphanet 892, MedGen C0019562, MONDO:0008667, OMIM 193300. Disease mechanism: loss of function.

Allele frequency attached by ClinVar (database versions not stated): 1000 Genomes Project 0.00040; 1000 Genomes Project 30x 0.00062; gnomAD 0.00154 and 0.00160; gnomAD exomes 0.00167; TOPMed 0.00168.
gnomAD v4.1: 366 of 225,128 alleles (0.16%); highest among the groups gnomAD compares: Middle Eastern, 0.96%; 1 homozygote.

Submission:

Illumina Laboratory Services, Illumina
Classification: Benign for Von Hippel-Lindau syndrome. Last evaluated: 2018-01-12. Review status: criteria provided, single submitter. Criteria: ICSL Variant Classification Criteria 13 December 2019. Collection method: clinical testing. Allele origin: germline.
Comment: This variant was observed in the ICSL laboratory as part of a predisposition screen in an ostensibly healthy population. It had not been previously curated by ICSL or reported in the Human Gene Mutation Database (HGMD: prior to June 1st, 2018), and was therefore a candidate for classification through an automated scoring system. Utilizing variant allele frequency, disease prevalence and penetrance estimates, and inheritance mode, an automated score was calculated to assess if this variant is too frequent to cause the disease. Based on the score and internal cut-off values, a variant classified as benign is not then subjected to further curation. The score for this variant resulted in a classification of benign for this disease.